The following is an entry in ClinVar:

NM_017534.6(MYH2):c.2530_2532delinsAAGAGTGCAGAAA (p.Pro844fs)

Genes: MYH2 (myosin heavy chain 2; minus strand), MYHAS (myosin heavy chain gene cluster antisense RNA; plus strand). Cytogenetic location: 17p13.1.
Variant type: Indel.
Coding change: c.2530_2532delinsAAGAGTGCAGAAA on transcript NM_017534.6 (MANE Select); coding-DNA positions 2530 to 2532, CCT replaced by AAGAGTGCAGAAA.
Protein change: p.Pro844fs; shifts the reading frame from proline 844.
Molecular consequence: frameshift variant.
Genome position (GRCh38, 1-based): chr17:10,531,798-10,531,800, AGG replaced by TTTCTGCACTCTT on the plus strand (CCT replaced by AAGAGTGCAGAAA on the coding strand, the reverse complement: MYH2 is on the minus strand). VCF-style: chr17-10531798-AGG-TTTCTGCACTCTT. GRCh37 (hg19) VCF-style: chr17-10435115-AGG-TTTCTGCACTCTT.
Other names: c.2530_2532delinsAAGAGTGCAGAAA, p.Pro844fs (NM_001100112.2); short protein forms P844fs.
Identifiers: ClinVar variation 2637759 (VCV002637759.3), dbSNP rs2508437853, ClinGen allele CA2695201250.

ClinVar aggregate classification (germline): Pathogenic/Likely pathogenic. Review status: criteria provided, multiple submitters, no conflicts (2 of 4 stars). 3 submissions from 3 submitters: Pathogenic (1); Likely pathogenic (2). Last evaluated 2025-12-03.

Conditions:
Myopathy, proximal, and ophthalmoplegia (CMYO6). Also called: MYOPATHY WITH CONGENITAL JOINT CONTRACTURES, OPHTHALMOPLEGIA, AND RIMMED VACUOLES; INCLUSION BODY MYOPATHY 3, AUTOSOMAL DOMINANT; CONGENITAL MYOPATHY 6 WITH OPHTHALMOPLEGIA. Identifiers: Orphanet 363677, Orphanet 79091, MedGen C1854106, MONDO:0011577, OMIM 605637.
Autosomal recessive MYH2-related disorders.

Submissions (3):

Variantyx, Inc.
Classification: Likely pathogenic for Autosomal recessive MYH2-related disorders. Last evaluated: 2025-12-03. Review status: criteria provided, single submitter. Criteria: Variantyx Assertion Criteria 2022. Collection method: clinical testing. Allele origin: germline. Inheritance: Autosomal recessive inheritance.
Comment: This is a frameshift variant in the MYH2 gene (OMIM: 160740). Pathogenic variants in this gene have been associated with autosomal recessive MYH2-related disorders. The alteration introduces a premature termination codon in exon 22 out of 40 and is expected to result in loss of function, which is a known disease mechanism for MYH2 in this disorder (PMID: 20418530, 24193343, 23388406) (PVS1). This variant has a 0.0267% maximum allele frequency in non-founder control populations (PM2). Based on the current evidence, this variant is classified as likely pathogenic for autosomal recessive MYH2-related disorders.

3billion
Classification: Likely pathogenic for Myopathy, proximal, and ophthalmoplegia. Last evaluated: 2024-11-01. Review status: criteria provided, single submitter. Criteria: ACMG Guidelines, 2015. Collection method: clinical testing. Allele origin: germline. Affected: yes.

Women's Health and Genetics/Laboratory Corporation of America, LabCorp
Classification: Pathogenic for Myopathy, proximal, and ophthalmoplegia. Last evaluated: 2023-10-16. Review status: criteria provided, single submitter. Criteria: LabCorp Variant Classification Summary - May 2015. Collection method: clinical testing. Allele origin: germline.
Comment: Variant summary: MYH2 c.2530_2532delins13 (p.Pro844LysfsX12) results in a premature termination codon, predicted to cause absence of the protein due to nonsense mediated decay, which is a commonly known mechanism for disease. At least 16 unique variants (including missense, nonsense, frameshift, and splicing variants) have been reported (PMID: 11114175). Three of these variants are associated with dominantly inherited disease, while the remaining variants are associated with disease inherited in a recessive manner. The variant was absent in 251372 control chromosomes. To our knowledge, no occurrence of c.2530_2532delins13 in individuals affected with autosomal dominant and autosomal recessive Myopathy, Proximal, And Ophthalmoplegia and no experimental evidence demonstrating its impact on protein function have been reported. No submitters have cited clinical-significance assessments for this variant to ClinVar after 2014. Based on the evidence outlined above, the variant was classified as pathogenic.

Literature cited by the submitters: PubMed 20418530 (cited by Variantyx, Inc.); PubMed 24193343 (cited by Variantyx, Inc.); PubMed 23388406 (cited by Variantyx, Inc.).